The following is an entry in ClinVar:

ClinVar aggregate classification (germline): Uncertain significance (1 of 4 stars; one submission).

gnomAD v4.1: 40 of 1,537,238 alleles (0.0026%); highest among the groups gnomAD compares: Admixed American, 0.059%; no homozygotes.

Submission:

GeneDx
Classification: Uncertain significance. Last evaluated: 2024-11-13. Review status: criteria provided, single submitter. Criteria: GeneDx Variant Classification Process June 2021. Collection method: clinical testing. Allele origin: germline. Affected: yes.
Comment: In silico analysis supports that this missense variant has a deleterious effect on protein structure/function; Has not been previously published as pathogenic or benign to our knowledge

NM_001256071.3(RNF213):c.4498G>A (p.Asp1500Asn)

Gene: RNF213 (ring finger protein 213; plus strand). Cytogenetic location: 17q25.3.
Variant type: single nucleotide variant.
Coding change: c.4498G>A on transcript NM_001256071.3 (MANE Select); coding-DNA position 4498, G replaced by A.
Protein change: p.Asp1500Asn; replaces aspartic acid 1500 with asparagine.
Molecular consequence: missense variant.
Genome position (GRCh38, 1-based): chr17:80,336,349, G>A. VCF-style: chr17-80336349-G-A. GRCh37 (hg19) VCF-style: chr17-78310149-G-A.
Other names: c.4645G>A, p.Asp1549Asn (NM_001410195.1, NM_020914.5); short protein forms D1500N, D1549N.
Identifiers: ClinVar variation 3899702 (VCV003899702.1).